The following is an entry in ClinVar:

NM_000059.4(BRCA2):c.4750_4751delinsAG (p.Glu1584Arg)

Gene: BRCA2 (BRCA2 DNA repair associated; plus strand). Cytogenetic location: 13q13.1.
Variant type: Indel.
Coding change: c.4750_4751delinsAG on transcript NM_000059.4 (MANE Select); coding-DNA positions 4750 to 4751, GA replaced by AG.
Protein change: p.Glu1584Arg; replaces glutamic acid 1584 with arginine.
Molecular consequence: missense variant.
Genome position (GRCh38, 1-based): chr13:32,339,105-32,339,106, GA replaced by AG. VCF-style: chr13-32339105-GA-AG. GRCh37 (hg19) VCF-style: chr13-32913242-GA-AG.
Other names: c.4750_4751delGAinsAG (NM_000059.3); short protein forms E1584R.
Identifiers: ClinVar variation 418084 (VCV000418084.4), dbSNP rs1064793066, ClinGen allele CA16619715.

ClinVar aggregate classification (germline): Conflicting classifications of pathogenicity. Review status: criteria provided, conflicting classifications (1 of 4 stars). 2 submissions from 2 submitters: Uncertain significance (1); Likely benign (1). Last evaluated 2023-03-23.

Conditions:
Hereditary cancer-predisposing syndrome. Also called: Hereditary neoplastic syndrome; Tumor predisposition; Neoplastic Syndromes, Hereditary; Hereditary Cancer Syndrome. Identifiers: Orphanet 140162, MedGen C0027672, MeSH D009386, MONDO:0015356.

Submissions (2):

University of Washington Department of Laboratory Medicine, University of Washington
Classification: Likely benign for Hereditary cancer-predisposing syndrome. Last evaluated: 2023-03-23. Review status: criteria provided, single submitter. Criteria: Dines et al. (Genet Med. 2020). Collection method: curation. Allele origin: germline.
Comment: Missense variant in a coldspot region where missense variants are very unlikely to be pathogenic (PMID:31911673).

BRCA2 exon 11 coldspot. Reclassification based on statistical prior probability.

GeneDx
Classification: Uncertain significance. Last evaluated: 2014-12-29. Review status: criteria provided, single submitter. Criteria: GeneDx Variant Classification (06012015). Collection method: clinical testing. Allele origin: germline. Affected: yes.
Comment: This variant is denoted BRCA2 c.4750_4751delGAinsAG at the cDNA level, p.Glu1584Arg (E1584R) at the protein level. The normal sequence, with the bases that are deleted and inserted in brackets, is CATT[delGA][insAG]GATC. This in frame deletion and insertion, also denoted BRCA2 c.4978_4979 delGAinsAG using alternate nomenclature, occurs on the same allele (in cis) and results in the missense change of a Glutamic Acid to a Arginine (GAG>AGG). This variant has not, to our knowledge, been published in the literature as pathogenic or benign. BRCA2 Glu1584Arg was not observed in approximately 6,500 individuals of European and African American ancestry in the NHLBI Exome Sequencing Project, indicating it is not a common benign variant in these populations. Since Glutamic Acid and Arginine differ in polarity, charge, size or other properties, this is considered a non-conservative amino acid substitution. BRCA2 Glu1584Arg occurs at a position that is moderately conserved among mammals and is not located in a known functional domain (UniProt). In addition, in silico analyses are inconsistent regarding the effect this variant may have on protein structure and function. Based on currently available information, we consider BRCA2 Glu1584Arg to be a variant of uncertain significance.